The following is an entry in ClinVar:

NM_000718.4(CACNA1B):c.5265C>G (p.His1755Gln)

Gene: CACNA1B (calcium voltage-gated channel subunit alpha1 B; plus strand). Cytogenetic location: 9q34.3.
Variant type: single nucleotide variant.
Coding change: c.5265C>G on transcript NM_000718.4 (MANE Select); coding-DNA position 5265, C replaced by G.
Protein change: p.His1755Gln; replaces histidine 1755 with glutamine.
Molecular consequence: missense variant.
Genome position (GRCh38, 1-based): chr9:138,102,753, C>G. VCF-style: chr9-138102753-C-G. GRCh37 (hg19) VCF-style: chr9-140997205-C-G.
Other names: c.5265C>G, p.His1755Gln (NM_001243812.2); short protein forms H1755Q.
Identifiers: ClinVar variation 4887920 (VCV004887920.1).

ClinVar aggregate classification (germline): Uncertain significance (1 of 4 stars; one submission).

Submission:

GeneDx
Classification: Uncertain significance. Last evaluated: 2026-02-06. Review status: criteria provided, single submitter. Criteria: GeneDx Variant Classification Process June 2021. Collection method: clinical testing. Allele origin: germline.
Comment: Not observed at significant frequency in large population cohorts (gnomAD); In silico analysis supports that this missense variant has a deleterious effect on protein structure/function; Has not been previously published as pathogenic or benign to our knowledge